The following is an entry in ClinVar:

NM_001042492.3(NF1):c.650A>G (p.Glu217Gly)

Gene: NF1 (neurofibromin 1; plus strand). Cytogenetic location: 17q11.2.
Variant type: single nucleotide variant.
Coding change: c.650A>G on transcript NM_001042492.3 (MANE Select); coding-DNA position 650, A replaced by G.
Protein change: p.Glu217Gly; replaces glutamic acid 217 with glycine.
Molecular consequence: missense variant.
Genome position (GRCh38, 1-based): chr17:31,181,485, A>G. VCF-style: chr17-31181485-A-G. GRCh37 (hg19) VCF-style: chr17-29508503-A-G.
Other names: c.650A>G, p.Glu217Gly (NM_000267.4, NM_001128147.3); short protein forms E217G.
Identifiers: ClinVar variation 3237885 (VCV003237885.2), dbSNP rs2544748017.

ClinVar aggregate classification (germline): Uncertain significance. Review status: criteria provided, multiple submitters, no conflicts (2 of 4 stars). 2 submissions from 2 submitters: Uncertain significance (2). Last evaluated 2024-03-05.

Conditions:
Hereditary cancer-predisposing syndrome. Also called: Neoplastic Syndromes, Hereditary; Tumor predisposition; Hereditary neoplastic syndrome; Hereditary Cancer Syndrome. Identifiers: Orphanet 140162, MedGen C0027672, MeSH D009386, MONDO:0015356.
Cardiovascular phenotype. Identifiers: MedGen CN230736.
Juvenile myelomonocytic leukemia (JMML). Also called: LEUKEMIA, JUVENILE MYELOMONOCYTIC, SOMATIC. Identifiers: Orphanet 86834, MedGen C0349639, MONDO:0011908, OMIM 607785, HP:0012209.

Submissions (2):

Baylor Genetics
Classification: Uncertain significance for Juvenile myelomonocytic leukemia. Last evaluated: 2024-03-05. Review status: criteria provided, single submitter. Criteria: ACMG Guidelines, 2015. Collection method: clinical testing. Allele origin: unknown.

Ambry Genetics
Classification: Uncertain significance for Cardiovascular phenotype; Hereditary cancer-predisposing syndrome. Last evaluated: 2023-10-25. Review status: criteria provided, single submitter. Criteria: Ambry Variant Classification Scheme 2023. Collection method: clinical testing. Allele origin: germline.
Comment: The p.E217G variant (also known as c.650A>G), located in coding exon 6 of the NF1 gene, results from an A to G substitution at nucleotide position 650. The glutamic acid at codon 217 is replaced by glycine, an amino acid with similar properties. This amino acid position is conserved. In addition, this alteration is predicted to be deleterious by in silico analysis. Since supporting evidence is limited at this time, the clinical significance of this alteration remains unclear.